The following is an entry in ClinVar:

ClinVar aggregate classification (germline): Uncertain significance (1 of 4 stars; one submission).

Allele frequency attached by ClinVar (database versions not stated): ExAC 0.00001; gnomAD 0.00001; gnomAD exomes 0.00001.
gnomAD v4.1: 6 of 1,209,372 alleles (0.0005%); highest among the groups gnomAD compares: African/African-American, 0.0018%; no homozygotes.

Submission:

Labcorp Genetics (formerly Invitae), Labcorp
Classification: Uncertain significance. Last evaluated: 2024-04-08. Review status: criteria provided, single submitter. Criteria: Invitae Variant Classification Sherloc (09022015). Collection method: clinical testing. Allele origin: germline.
Comment: This sequence change replaces glutamic acid, which is acidic and polar, with lysine, which is basic and polar, at codon 880 of the DRP2 protein (p.Glu880Lys). The frequency data for this variant in the population databases is considered unreliable, as metrics indicate poor data quality at this position in the gnomAD database. This variant has not been reported in the literature in individuals affected with DRP2-related conditions. ClinVar contains an entry for this variant (Variation ID: 1478177). Advanced modeling of protein sequence and biophysical properties (such as structural, functional, and spatial information, amino acid conservation, physicochemical variation, residue mobility, and thermodynamic stability) performed at Invitae indicates that this missense variant is not expected to disrupt DRP2 protein function with a negative predictive value of 80%. In summary, the available evidence is currently insufficient to determine the role of this variant in disease. Therefore, it has been classified as a Variant of Uncertain Significance.

NM_001939.3(DRP2):c.2638G>A (p.Glu880Lys)

Gene: DRP2 (dystrophin related protein 2; plus strand). Cytogenetic location: Xq22.1.
Variant type: single nucleotide variant.
Coding change: c.2638G>A on transcript NM_001939.3 (MANE Select); coding-DNA position 2638, G replaced by A.
Protein change: p.Glu880Lys; replaces glutamic acid 880 with lysine.
Molecular consequence: missense variant.
Genome position (GRCh38, 1-based): chrX:101,260,058, G>A. VCF-style: chrX-101260058-G-A. GRCh37 (hg19) VCF-style: chrX-100515047-G-A.
Other names: c.2404G>A, p.Glu802Lys (NM_001171184.2); short protein forms E880K, E802K.
Identifiers: ClinVar variation 1478177 (VCV001478177.6), dbSNP rs765750077, ClinGen allele CA10472503.
Genomic context (GRCh38, chrX:101,260,058, plus strand): 5'-AGTAAGGTCAGGAAGGCAAATCCACTTAAGTCATGCCTTACCTCTTGCTAGCCACCCACC[G>A]AATCAGATGGCAGTGGCTCTGCAGGCTCGTCCCTAGCTTCCTCTCCACAGCAGTCAGAAG-3'
Protein context (NP_001930.2, residues 870-890): LRELLLQPPT[Glu880Lys]SDGSGSAGSS